The following is an entry in ClinVar:

ClinVar aggregate classification (germline): Pathogenic. Review status: criteria provided, multiple submitters, no conflicts (2 of 4 stars). 3 submissions from 3 submitters: Pathogenic (3). Last evaluated 2022-01-18.

Conditions:
Cardiovascular phenotype. Identifiers: MedGen CN230736.
MYH7-related disorder. Also called: MYH7-related condition; MYH7-related disease; MYH7-related disorders.
Hypertrophic cardiomyopathy. Also called: HYPERTROPHIC MYOCARDIOPATHY. Identifiers: Orphanet 217569, MedGen C0007194, MeSH D002312, MONDO:0005045, HP:0001639.

Submissions (3):

Blueprint Genetics
Classification: Pathogenic for MYH7-related disorders. Last evaluated: 2022-01-18. Review status: criteria provided, single submitter. Criteria: ACMG Guidelines, 2015. Collection method: clinical testing. Allele origin: germline. Affected: yes. Observed: 5 variant alleles.

Labcorp Genetics (formerly Invitae), Labcorp
Classification: Pathogenic for Hypertrophic cardiomyopathy. Last evaluated: 2018-12-22. Review status: criteria provided, single submitter. Criteria: Invitae Variant Classification Sherloc (09022015). Collection method: clinical testing. Allele origin: germline.
Comment: This sequence change replaces aspartic acid with glutamic acid at codon 778 of the MYH7 protein (p.Asp778Glu). The aspartic acid residue is highly conserved and there is a small physicochemical difference between aspartic acid and glutamic acid. For these reasons, this variant has been classified as Pathogenic. A different variant (c.2334C>G) giving rise to the same protein effect observed here (p.Asp778Glu) has been determined to be pathogenic (PMID: 12566107, 21896538, 12707239, 27247418, 29121657). This suggests that this variant is also likely to be causative of disease. Algorithms developed to predict the effect of missense changes on protein structure and function (SIFT, PolyPhen-2, Align-GVGD) all suggest that this variant is likely to be disruptive, but these predictions have not been confirmed by published functional studies and their clinical significance is uncertain. This variant has been observed to segregate with hypertrophic cardiomyopathy (PMID: 22112859). ClinVar contains an entry for this variant (Variation ID: 188615). This variant is not present in population databases (ExAC no frequency).

Ambry Genetics
Classification: Pathogenic for Cardiovascular phenotype. Last evaluated: 2017-10-14. Review status: criteria provided, single submitter. Criteria: Ambry Variant Classification Scheme 2023. Collection method: clinical testing. Allele origin: germline.
Comment: The p.D778E pathogenic mutation (also known as c.2334C>A), located in coding exon 19 of the MYH7 gene, results from a C to A substitution at nucleotide position 2334. The aspartic acid at codon 778 is replaced by glutamic acid, an amino acid with highly similar properties. This alteration has been reported to segregate with hypertrophic cardiomyopathy (HCM) in one Japanese family (Otsuka H et al. Circ. J. 2012;76:453-61). In addition, a disease-causing mutation resulting in the same amino acid change (c.2443C>G p.D778E) has been detected in several unrelated individuals with hypertrophic cardiomyopathy and has been shown to segregate with hypertrophic cardiomyopathy (HCM) in two of those families (Andersen PS et al. J. Med. Genet. 2001;38:E43; Havndrup O et al. Cardiovasc. Res. 2003;57:347-57; Richard P et al. Circulation. 2003;107:2227-32). The c.2443C>G alteration has also been identified in the homozygous state in two related individuals with HCM who suffered sudden death at a young age (Richard P et al. Circulation. 2003;107:2227-32). Other alterations at the same codon (p.D778V and p.D778G) have also been associated with HCM (Harada H et al. Biochem. Biophys. Res. Commun. 1993;194:791-8; Van Driest SL et al. J. Am. Coll. Cardiol. 2004;44:602-10). Based on the supporting evidence, this alteration is interpreted as a disease-causing mutation.

Literature cited by the submitters: PubMed 12566107 (cited by Labcorp Genetics (formerly Invitae), Labcorp and Ambry Genetics); PubMed 21896538 (cited by Labcorp Genetics (formerly Invitae), Labcorp and Ambry Genetics); PubMed 12707239 (cited by Labcorp Genetics (formerly Invitae), Labcorp and Ambry Genetics); PubMed 27247418 (cited by Labcorp Genetics (formerly Invitae), Labcorp and Ambry Genetics); PubMed 29121657 (cited by Labcorp Genetics (formerly Invitae), Labcorp); PubMed 22112859 (cited by Labcorp Genetics (formerly Invitae), Labcorp and Ambry Genetics); PubMed 11748309 (cited by Ambry Genetics); PubMed 18761664 (cited by Ambry Genetics); PubMed 19035361 (cited by Ambry Genetics); PubMed 25543971 (cited by Ambry Genetics).

NM_000257.4(MYH7):c.2334C>A (p.Asp778Glu)

Genes: MYH7 (myosin heavy chain 7; minus strand), LOC126861898 (BRD4-independent group 4 enhancer GRCh37_chr14:23893609-23894808; plus strand). Cytogenetic location: 14q11.2.
Variant type: single nucleotide variant.
Coding change: c.2334C>A on transcript NM_000257.4 (MANE Select); coding-DNA position 2334, C replaced by A.
Protein change: p.Asp778Glu; replaces aspartic acid 778 with glutamic acid.
Molecular consequence: missense variant.
Genome position (GRCh38, 1-based): chr14:23,425,371, G>T on the plus strand (C>A on the coding strand, the complement: MYH7 is on the minus strand). VCF-style: chr14-23425371-G-T. GRCh37 (hg19) VCF-style: chr14-23894580-G-T.
Other names: short protein forms D778E.
Identifiers: ClinVar variation 188615 (VCV000188615.16), dbSNP rs2069544, ClinGen allele CA012141.